The following is an entry in ClinVar:

NM_000127.3(EXT1):c.1177A>G (p.Ile393Val)

Gene: EXT1 (exostosin glycosyltransferase 1; minus strand). Cytogenetic location: 8q24.11.
Variant type: single nucleotide variant.
Coding change: c.1177A>G on transcript NM_000127.3 (MANE Select); coding-DNA position 1177, A replaced by G.
Protein change: p.Ile393Val; replaces isoleucine 393 with valine.
Molecular consequence: missense variant.
Genome position (GRCh38, 1-based): chr8:117,830,337, T>C on the plus strand (A>G on the coding strand, the complement: EXT1 is on the minus strand). VCF-style: chr8-117830337-T-C. GRCh37 (hg19) VCF-style: chr8-118842576-T-C.
Other names: short protein forms I393V.
Identifiers: ClinVar variation 2141376 (VCV002141376.5), dbSNP rs748083628, ClinGen allele CA4854208.

ClinVar aggregate classification (germline): Uncertain significance. Review status: criteria provided, multiple submitters, no conflicts (2 of 4 stars). 2 submissions from 2 submitters: Uncertain significance (2). Last evaluated 2024-02-03.

Conditions:
Chondrosarcoma. Also called: Chondrosarcoma, somatic. Identifiers: Orphanet 55880, MedGen C0008479, MONDO:0008977, OMIM 215300, HP:0006765.
Multiple congenital exostosis (EXT). Also called: MULTIPLE CARTILAGINOUS EXOSTOSES; Hereditary multiple exostoses; Hereditary multiple exostosis; Multiple exostoses; Multiple osteochondromas; Hereditary multiple osteochondromas. Identifiers: Orphanet 321, MedGen C0015306, MONDO:0005508, HP:0002762.

Allele frequency attached by ClinVar (database versions not stated): gnomAD exomes 0.00001; TOPMed 0.00001; ExAC 0.00002.
gnomAD v4.1: 5 of 1,614,032 alleles (0.00031%); highest among the groups gnomAD compares: Non-Finnish European, 0.00042%; no homozygotes.

Submissions (2):

Baylor Genetics
Classification: Uncertain significance for Chondrosarcoma. Last evaluated: 2024-02-03. Review status: criteria provided, single submitter. Criteria: ACMG Guidelines, 2015. Collection method: clinical testing. Allele origin: unknown.

Labcorp Genetics (formerly Invitae), Labcorp
Classification: Uncertain significance for Multiple congenital exostosis. Last evaluated: 2023-01-01. Review status: criteria provided, single submitter. Criteria: Invitae Variant Classification Sherloc (09022015). Collection method: clinical testing. Allele origin: germline.
Comment: Advanced modeling of protein sequence and biophysical properties (such as structural, functional, and spatial information, amino acid conservation, physicochemical variation, residue mobility, and thermodynamic stability) performed at Invitae indicates that this missense variant is not expected to disrupt EXT1 protein function. In summary, the available evidence is currently insufficient to determine the role of this variant in disease. Therefore, it has been classified as a Variant of Uncertain Significance. This sequence change replaces isoleucine, which is neutral and non-polar, with valine, which is neutral and non-polar, at codon 393 of the EXT1 protein (p.Ile393Val). This variant is present in population databases (rs748083628, gnomAD 0.003%). This variant has not been reported in the literature in individuals affected with EXT1-related conditions.